The following is an entry in ClinVar:

ClinVar aggregate classification (germline): Pathogenic. Review status: criteria provided, multiple submitters, no conflicts (2 of 4 stars). 2 submissions from 2 submitters: Pathogenic (2). Last evaluated 2024-06-07.

Conditions:
Mucopolysaccharidosis, MPS-II (MPS2). Also called: Mucopolysaccharidosis type 2; Hunter Syndrome; IDURONATE 2-SULFATASE DEFICIENCY; Mucopolysaccharidosis Type II; IDS deficiency; Sulfoiduronate sulfatase deficiency. Identifiers: Orphanet 580, Orphanet 79388, MedGen C0026705, MONDO:0010674, OMIM 309900.

Submissions (2):

Laboratory of Diagnosis and Therapy of Lysosomal Disorders, University of Padova
Classification: Pathogenic for Mucopolysaccharidosis, MPS-II. Last evaluated: 2024-06-07. Review status: criteria provided, single submitter. Criteria: ACMG Guidelines, 2015. Collection method: literature only. Allele origin: germline. Affected: yes. Observed: 1 variant allele.
Comment: Null variant (PVS1_VeryStrong), Absent from controls (or at low frequency) in gnomAD database (PM2_Moderate), Patient’s phenotype or family history highly specific for the disease (PP4_Moderate)

Classification method: ACMG Guidelines [PMID:25741868] with modifications

Department of Medical Genetics, Sanjay Gandhi Post Graduate Institute of Medical Sciences
Classification: Pathogenic for Mucopolysaccharidosis, MPS-II. Review status: criteria provided, single submitter. Criteria: ACMG Guidelines, 2015. Collection method: clinical testing. Allele origin: maternal. Inheritance: X-linked recessive inheritance. Affected: yes. Observed: 1 variant allele, 1 hemizygote.

Literature cited by the submitters: PubMed 21291454 (cited by Laboratory of Diagnosis and Therapy of Lysosomal Disorders, University of Padova).

NM_000202.8(IDS):c.886dup (p.Ile296fs)

Genes: IDS (iduronate 2-sulfatase; minus strand), LOC106050102 (IDS recombination region; plus strand). Cytogenetic location: Xq28.
Variant type: Duplication.
Coding change: c.886dup on transcript NM_000202.8 (MANE Select); coding-DNA position 886, one base duplicated (A; older notation c.886dupA).
Protein change: p.Ile296fs; shifts the reading frame from isoleucine 296.
Molecular consequence: frameshift variant. On other transcripts: non-coding transcript variant (1).
Genome position (GRCh38, 1-based): chrX:149,490,434, T duplicated on the plus strand (A on the coding strand, the reverse complement: IDS is on the minus strand); the first of 4 consecutive T bases (chrX:149,490,434-149,490,437); duplicating any one gives the same sequence. VCF-style (leftmost placement, unchanged base first): chrX-149490433-A-AT. GRCh37 (hg19) VCF-style: chrX-148571964-A-AT.
Other names: c.616dup, p.Ile206fs (NM_001166550.4); c.886dup, p.Ile296fs (NM_006123.5); short protein forms I206fs, I296fs.
Identifiers: ClinVar variation 997094 (VCV000997094.3), dbSNP rs2124020896, ClinGen allele CA2499226419.
Genomic context (GRCh38, chrX:149,490,433, plus strand): 5'-CTCAAGAGGCGGCCGACCTGTGTATCCAAATATGACACAGAGGCAAAGTAGCTCTGGCGG[A>AT]TTTTCCGCTGCAAATTGAAAAAAAATAAAAATGAGAGTGACTGCAATTTAAATTGCCAAG-3'